The following is an entry in ClinVar:

ClinVar aggregate classification (germline): Pathogenic/Likely pathogenic. Review status: criteria provided, multiple submitters, no conflicts (2 of 4 stars). 4 submissions from 4 submitters: Pathogenic (1); Likely pathogenic (2). 1 of the submissions does not count toward it. Last evaluated 2026-01-25.

Conditions:
CTSC-related disorder. Also called: CTSC-related disorders; CTSC-related condition. Identifiers: MedGen CN375926, MONDO:0800465.
Periodontitis, aggressive. Identifiers: MedGen C0031106, MONDO:0980757.
Haim-Munk syndrome (HMS). Also called: COCHIN JEWISH DISORDER; KERATOSIS PALMOPLANTARIS WITH PERIODONTOPATHIA AND ONYCHOGRYPOSIS. Identifiers: Orphanet 2342, MedGen C1855627, MONDO:0009491, OMIM 245010.
Papillon-Lefèvre syndrome (PALS). Also called: Papillon-Lefevre Disease; KERATOSIS PALMOPLANTARIS WITH PERIODONTOPATHIA. Identifiers: Orphanet 678, MedGen C0030360, MONDO:0009490, OMIM 245000.

Submissions (4):

Labcorp Genetics (formerly Invitae), Labcorp
Classification: Pathogenic for Haim-Munk syndrome; Periodontitis, aggressive; Papillon-Lefèvre syndrome. Last evaluated: 2026-01-25. Review status: criteria provided, single submitter. Criteria: Invitae Variant Classification Sherloc (09022015). Collection method: clinical testing. Allele origin: germline.
Comment: This sequence change replaces leucine, which is neutral and non-polar, with arginine, which is basic and polar, at codon 68 of the CTSC protein (p.Leu68Arg). This variant is present in population databases (rs199474831, gnomAD 0.02%). This missense change has been observed in individuals with Papillon-Lefèvre syndrome (PMID: 23311634). It has also been observed to segregate with disease in related individuals. ClinVar contains an entry for this variant (Variation ID: 839668). Invitae Evidence Modeling of protein sequence and biophysical properties (such as structural, functional, and spatial information, amino acid conservation, physicochemical variation, residue mobility, and thermodynamic stability) indicates that this missense variant is expected to disrupt CTSC protein function with a positive predictive value of 80%. For these reasons, this variant has been classified as Pathogenic.

Fulgent Genetics
Classification: Likely pathogenic for Periodontitis, aggressive 1; Papillon-Lefèvre syndrome; Haim-Munk syndrome. Last evaluated: 2021-10-08. Review status: criteria provided, single submitter. Criteria: ACMG Guidelines, 2015. Collection method: clinical testing. Allele origin: unknown.

Illumina Laboratory Services, Illumina
Classification: Likely pathogenic for CTSC-Related Disorders. Last evaluated: 2019-01-10. Review status: criteria provided, single submitter. Criteria: ICSLVariantClassificationCriteria RUGD 01 April 2020. Collection method: clinical testing. Allele origin: unknown.
Comment: The CTSC c.203T>G (p.Leu68Arg) variant is a missense variant located in the exclusion domain of the cathepsin C protein. The p.Leu68Arg variant has been reported in one study, in which it is found in nine individuals with Papillon-Lefevre syndrome (PLS), including in seven in a homozygous state and in two in a compound heterozygous state with a second missense variant (Romero-Quintana et al. 2013). In one family, three affected members presented with variable expression of PLS. The p.Leu68Arg variant was absent from 200 control alleles but is reported at a frequency of 0.000238 in the Latino population of the Genome Aggregation Database. Affected individuals showed 14.89% of the enzymatic activity as compared to controls (100%), while carrier parents and siblings showed 47.60% and 38.42% enzymatic activity, respectively (Romero-Quintana et al. 2013). Based on the collective evidence and application of the ACMG criteria, the p.Leu68Arg variant is classified as likely pathogenic for CTSC-related disorders.

PreventionGenetics, part of Exact Sciences
Classification: Pathogenic for CTSC-related condition. Last evaluated: 2024-01-11. Review status: no assertion criteria provided. Collection method: clinical testing. Allele origin: germline. Not counted in ClinVar's aggregate classification.
Comment: The CTSC c.203T>G variant is predicted to result in the amino acid substitution p.Leu68Arg. This variant was reported in the homozygous state or compound heterozygous state in multiple individuals with Papillon Lefèvre Syndrome (Romero-Quintana et al. 2013. PubMed ID: 23311634). This variant is reported in 0.023% of alleles in individuals of Latino descent in gnomAD. This variant is interpreted as pathogenic.

Literature cited by the submitters: PubMed 23311634 (cited by Labcorp Genetics (formerly Invitae), Labcorp and Illumina Laboratory Services, Illumina).

NM_001814.6(CTSC):c.203T>G (p.Leu68Arg)

Gene: CTSC (cathepsin C; minus strand). Cytogenetic location: 11q14.2.
Variant type: single nucleotide variant.
Coding change: c.203T>G on transcript NM_001814.6 (MANE Select); coding-DNA position 203, T replaced by G.
Protein change: p.Leu68Arg; replaces leucine 68 with arginine.
Molecular consequence: missense variant.
Genome position (GRCh38, 1-based): chr11:88,335,052, A>C on the plus strand (T>G on the coding strand, the complement: CTSC is on the minus strand). VCF-style: chr11-88335052-A-C. GRCh37 (hg19) VCF-style: chr11-88068220-A-C.
Other names: c.203T>G, p.Leu68Arg (NM_001114173.3, NM_148170.5); short protein forms L68R.
Identifiers: ClinVar variation 839668 (VCV000839668.16), dbSNP rs199474831, ClinGen allele CA225446938.